The following is an entry in ClinVar:

ClinVar aggregate classification (germline): Uncertain significance (1 of 4 stars; one submission).

Conditions:
Inborn genetic diseases. Identifiers: MedGen C0950123, MeSH D030342.

Allele frequency attached by ClinVar (database versions not stated): gnomAD exomes below 0.00001.
gnomAD v4.1: 2 of 1,608,566 alleles (0.00012%); highest among the groups gnomAD compares: East Asian, 0.0022%; no homozygotes.

Submission:

Ambry Genetics
Classification: Uncertain significance for Inborn genetic diseases. Last evaluated: 2023-09-07. Review status: criteria provided, single submitter. Criteria: Ambry Variant Classification Scheme 2023. Collection method: clinical testing. Allele origin: germline.
Comment: The p.G2482C variant (also known as c.7444G>T), located in coding exon 50 of the LRRK2 gene, results from a G to T substitution at nucleotide position 7444. The glycine at codon 2482 is replaced by cysteine, an amino acid with highly dissimilar properties. This amino acid position is conserved. In addition, this alteration is predicted to be tolerated by in silico analysis. Since supporting evidence is limited at this time, the clinical significance of this alteration remains unclear.

NM_198578.4(LRRK2):c.7444G>T (p.Gly2482Cys)

Gene: LRRK2 (leucine rich repeat kinase 2; plus strand). Cytogenetic location: 12q12.
Variant type: single nucleotide variant.
Coding change: c.7444G>T on transcript NM_198578.4 (MANE Select); coding-DNA position 7444, G replaced by T.
Protein change: p.Gly2482Cys; replaces glycine 2482 with cysteine.
Molecular consequence: missense variant.
Genome position (GRCh38, 1-based): chr12:40,367,059, G>T. VCF-style: chr12-40367059-G-T. GRCh37 (hg19) VCF-style: chr12-40760861-G-T.
Other names: short protein forms G2482C.
Identifiers: ClinVar variation 2624888 (VCV002624888.2), dbSNP rs1592356178, ClinGen allele CA384415825.